The following is an entry in ClinVar:

NM_004082.5(DCTN1):c.856G>T (p.Ala286Ser)

Gene: DCTN1 (dynactin subunit 1; minus strand). Cytogenetic location: 2p13.1.
Variant type: single nucleotide variant.
Coding change: c.856G>T on transcript NM_004082.5 (MANE Select); coding-DNA position 856, G replaced by T.
Protein change: p.Ala286Ser; replaces alanine 286 with serine.
Molecular consequence: missense variant. On other transcripts: non-coding transcript variant (1).
Genome position (GRCh38, 1-based): chr2:74,370,813, C>A on the plus strand (G>T on the coding strand, the complement: DCTN1 is on the minus strand). VCF-style: chr2-74370813-C-A. GRCh37 (hg19) VCF-style: chr2-74597940-C-A.
Other names: c.787G>T, p.Ala263Ser (NM_001378992.1); c.454G>T, p.Ala152Ser (NM_023019.4, NM_001135041.3); c.796G>T, p.Ala266Ser (NM_001135040.3); c.745G>T, p.Ala249Ser (NM_001190836.2); c.835G>T, p.Ala279Ser (NM_001190837.2); c.805G>T, p.Ala269Ser (NM_001378991.1); short protein forms A152S, A249S, A263S, A266S, A269S, A279S, A286S.
Identifiers: ClinVar variation 3756002 (VCV003756002.2).

ClinVar aggregate classification (germline): Uncertain significance (1 of 4 stars; one submission).

Conditions:
Amyotrophic lateral sclerosis type 1 (ALS1). Also called: AMYOTROPHIC LATERAL SCLEROSIS 1, FAMILIAL. Identifiers: Orphanet 803, MedGen C1862939, MONDO:0007103, OMIM 105400.
Neuronopathy, distal hereditary motor, type 7B. Also called: HMN VIIB; LOWER MOTOR NEURON DISEASE, DYNACTIN TYPE; NEURONOPATHY, DISTAL HEREDITARY MOTOR, AUTOSOMAL DOMINANT 14; NEURONOPATHY, DISTAL HEREDITARY MOTOR, HARDING TYPE VIIB; NEUROPATHY, DISTAL HEREDITARY MOTOR, HARDING TYPE VIIB; NEUROPATHY, DISTAL HEREDITARY MOTOR, WITH VOCAL CORD PARALYSIS, HARDING TYPE VIIB. Identifiers: Orphanet 139589, MedGen C1843315, MONDO:0011879, OMIM 607641.
Perry syndrome. Also called: PARKINSONISM WITH ALVEOLAR HYPOVENTILATION AND MENTAL DEPRESSION. Identifiers: Orphanet 178509, MedGen C1868594, MONDO:0008201, OMIM 168605.

gnomAD v4.1: 2 of 1,614,216 alleles (0.00012%); highest among the groups gnomAD compares: Non-Finnish European, 0.00017%; no homozygotes.

Submission:

Labcorp Genetics (formerly Invitae), Labcorp
Classification: Uncertain significance for Amyotrophic lateral sclerosis type 1; Neuronopathy, distal hereditary motor, type 7B; Perry syndrome. Last evaluated: 2024-08-31. Review status: criteria provided, single submitter. Criteria: Invitae Variant Classification Sherloc (09022015). Collection method: clinical testing. Allele origin: germline.
Comment: This sequence change replaces alanine, which is neutral and non-polar, with serine, which is neutral and polar, at codon 286 of the DCTN1 protein (p.Ala286Ser). This variant is not present in population databases (gnomAD no frequency). This variant has not been reported in the literature in individuals affected with DCTN1-related conditions. Invitae Evidence Modeling of protein sequence and biophysical properties (such as structural, functional, and spatial information, amino acid conservation, physicochemical variation, residue mobility, and thermodynamic stability) has been performed for this missense variant. However, the output from this modeling did not meet the statistical confidence thresholds required to predict the impact of this variant on DCTN1 protein function. In summary, the available evidence is currently insufficient to determine the role of this variant in disease. Therefore, it has been classified as a Variant of Uncertain Significance.